The following is an entry in ClinVar:

NM_002454.3(MTRR):c.654T>G (p.Asn218Lys)

Gene: MTRR (5-methyltetrahydrofolate-homocysteine methyltransferase reductase; plus strand). Cytogenetic location: 5p15.31.
Variant type: single nucleotide variant.
Coding change: c.654T>G on transcript NM_002454.3 (MANE Select); coding-DNA position 654, T replaced by G.
Protein change: p.Asn218Lys; replaces asparagine 218 with lysine.
Molecular consequence: missense variant. On other transcripts: non-coding transcript variant (14).
Genome position (GRCh38, 1-based): chr5:7,878,196, T>G. VCF-style: chr5-7878196-T-G. GRCh37 (hg19) VCF-style: chr5-7878309-T-G.
Other names: c.654T>G, p.Asn218Lys (NM_001364440.2, NM_001364441.2, NM_001364442.2 and 1 more transcripts); c.654T>G (NM_002454.2); short protein forms N218K.
Identifiers: ClinVar variation 2140701 (VCV002140701.2), dbSNP rs770060665, ClinGen allele CA3195661.

ClinVar aggregate classification (germline): Uncertain significance. Review status: criteria provided, multiple submitters, no conflicts (2 of 4 stars). 2 submissions from 2 submitters: Uncertain significance (2). Last evaluated 2025-09-19.

Conditions:
MTRR-related disorder. Also called: MTRR-related condition.
Methylcobalamin deficiency type cblE (HMAE). Also called: HOMOCYSTINURIA-MEGALOBLASTIC ANEMIA, cblE COMPLEMENTATION TYPE; HOMOCYSTINURIA-MEGALOBLASTIC ANEMIA, cblE TYPE; VITAMIN B12-RESPONSIVE HOMOCYSTINURIA, cblE TYPE. Identifiers: Orphanet 2169, Orphanet 622, MedGen C1856057, MONDO:0009354, OMIM 236270.

Allele frequency attached by ClinVar (database versions not stated): ExAC 0.00002.
gnomAD v4.1: 12 of 1,614,098 alleles (0.00074%); highest among the groups gnomAD compares: Admixed American, 0.02%; no homozygotes.

Submissions (2):

PreventionGenetics, part of Exact Sciences
Classification: Uncertain significance for MTRR-related condition. Last evaluated: 2025-09-19. Review status: criteria provided, single submitter. Criteria: ACMG Guidelines, 2015. Collection method: clinical testing. Allele origin: germline.
Comment: The MTRR c.654T>G variant is predicted to result in the amino acid substitution p.Asn218Lys. This variant has been reported in a study of individuals with cleft lip and/or cleft palate (Marini et al. 2019. PubMed ID: 31063268). This variant is reported in 0.029% of alleles in individuals of Latino descent in gnomAD. At this time, the clinical significance of this variant is uncertain due to the absence of conclusive functional and genetic evidence.

Labcorp Genetics (formerly Invitae), Labcorp
Classification: Uncertain significance for Methylcobalamin deficiency type cblE. Last evaluated: 2022-07-31. Review status: criteria provided, single submitter. Criteria: Invitae Variant Classification Sherloc (09022015). Collection method: clinical testing. Allele origin: germline.
Comment: This sequence change replaces asparagine, which is neutral and polar, with lysine, which is basic and polar, at codon 218 of the MTRR protein (p.Asn218Lys). This variant is present in population databases (rs770060665, gnomAD 0.03%). This variant has not been reported in the literature in individuals affected with MTRR-related conditions. Algorithms developed to predict the effect of missense changes on protein structure and function (SIFT, PolyPhen-2, Align-GVGD) all suggest that this variant is likely to be tolerated. In summary, the available evidence is currently insufficient to determine the role of this variant in disease. Therefore, it has been classified as a Variant of Uncertain Significance.